The following is an entry in ClinVar:

ClinVar aggregate classification (germline): Uncertain significance (1 of 4 stars; one submission).

Conditions:
Primary ciliary dyskinesia. Also called: Ciliary dyskinesia. Identifiers: Orphanet 244, MedGen C0008780, MONDO:0016575, HP:0012265.

Submission:

Labcorp Genetics (formerly Invitae), Labcorp
Classification: Uncertain significance for Primary ciliary dyskinesia. Last evaluated: 2025-03-04. Review status: criteria provided, single submitter. Criteria: Invitae Variant Classification Sherloc (09022015). Collection method: clinical testing. Allele origin: germline.
Comment: This sequence change replaces alanine, which is neutral and non-polar, with proline, which is neutral and non-polar, at codon 2846 of the DNAH5 protein (p.Ala2846Pro). This variant is not present in population databases (gnomAD no frequency). This variant has not been reported in the literature in individuals affected with DNAH5-related conditions. Invitae Evidence Modeling of protein sequence and biophysical properties (such as structural, functional, and spatial information, amino acid conservation, physicochemical variation, residue mobility, and thermodynamic stability) indicates that this missense variant is not expected to disrupt DNAH5 protein function with a negative predictive value of 95%. In summary, the available evidence is currently insufficient to determine the role of this variant in disease. Therefore, it has been classified as a Variant of Uncertain Significance.

NM_001369.3(DNAH5):c.8536G>C (p.Ala2846Pro)

Gene: DNAH5 (dynein axonemal heavy chain 5; minus strand). Cytogenetic location: 5p15.2.
Variant type: single nucleotide variant.
Coding change: c.8536G>C on transcript NM_001369.3 (MANE Select); coding-DNA position 8536, G replaced by C.
Protein change: p.Ala2846Pro; replaces alanine 2846 with proline.
Molecular consequence: missense variant.
Genome position (GRCh38, 1-based): chr5:13,788,827, C>G on the plus strand (G>C on the coding strand, the complement: DNAH5 is on the minus strand). VCF-style: chr5-13788827-C-G. GRCh37 (hg19) VCF-style: chr5-13788936-C-G.
Other names: short protein forms A2846P.
Identifiers: ClinVar variation 4802709 (VCV004802709.1).
Genomic context (GRCh38, chr5:13,788,827, plus strand): 5'-CACAATCCACCAAGAGTTTTTTCTCTTCACCAAACTCCTCCTCTACCAAACTTACTAAAG[C>G]CTTATCAAACCAGGTCACATCACTGGACACTGTGAAACGGTCAGCTATAACACGTTTACA-3'
Protein context (NP_001360.1, residues 2836-2856): VSSDVTWFDK[Ala2846Pro]LVSLVEEEFG